The following is an entry in ClinVar:

NM_001429.4(EP300):c.280A>G (p.Asn94Asp)

Gene: EP300 (EP300 lysine acetyltransferase; plus strand). Cytogenetic location: 22q13.2.
Variant type: single nucleotide variant.
Coding change: c.280A>G on transcript NM_001429.4 (MANE Select); coding-DNA position 280, A replaced by G.
Protein change: p.Asn94Asp; replaces asparagine 94 with aspartic acid.
Molecular consequence: missense variant.
Genome position (GRCh38, 1-based): chr22:41,117,372, A>G. VCF-style: chr22-41117372-A-G. GRCh37 (hg19) VCF-style: chr22-41513376-A-G.
Other names: c.280A>G, p.Asn94Asp (NM_001362843.2); short protein forms N94D.
Identifiers: ClinVar variation 4981926 (VCV004981926.1).
Genomic context (GRCh38, chr22:41,117,372, plus strand): 5'-GCAGCTTCTAAACATAAACAGCTGTCAGAATTGCTGCGATCTGGTAGTTCCCCTAACCTC[A>G]ATATGGGAGTTGGTGGCCCAGGTCAAGTCATGGCCAGCCAGGCCCAACAGAGCAGTCCTG-3'
Protein context (NP_001420.2, residues 84-104): LLRSGSSPNL[Asn94Asp]MGVGGPGQVM

ClinVar aggregate classification (germline): Uncertain significance (1 of 4 stars; one submission).

Conditions:
EP300-related disorder. Also called: EP300-related condition; EP300-related disorders.

gnomAD v4.1: 13 of 1,614,176 alleles (0.00081%); highest among the groups gnomAD compares: Admixed American, 0.0017%; no homozygotes.

Submission:

PreventionGenetics, part of Exact Sciences
Classification: Uncertain significance for EP300-related condition. Last evaluated: 2025-09-25. Review status: criteria provided, single submitter. Criteria: ACMG Guidelines, 2015. Collection method: clinical testing. Allele origin: germline.
Comment: The EP300 c.280A>G variant is predicted to result in the amino acid substitution p.Asn94Asp. To our knowledge, this variant has not been reported in the literature. This variant is reported in 0.0029% of alleles in individuals of Latino descent in gnomAD. At this time, the clinical significance of this variant is uncertain due to the absence of conclusive functional and genetic evidence.